The following is an entry in ClinVar:

ClinVar aggregate classification (germline): Conflicting classifications of pathogenicity. Review status: criteria provided, conflicting classifications (1 of 4 stars). 2 submissions from 2 submitters: Uncertain significance (1); Likely benign (1). Last evaluated 2025-05-05.

Conditions:
Microcephaly, normal intelligence and immunodeficiency (NBS). Also called: BERLIN BREAKAGE SYNDROME; SEEMANOVA SYNDROME II; Immunodeficiency, microcephaly with normal intelligence; Nijmegen breakage syndrome; Microcephaly with normal intelligence immunodeficiency and lymphoreticular malignancies; Nonsyndromal microcephaly autosomal recessive with normal intelligence. Identifiers: Orphanet 647, MedGen C0398791, MONDO:0009623, OMIM 251260.

Allele frequency attached by ClinVar (database versions not stated): ExAC 0.00001; gnomAD 0.00001; TOPMed 0.00001.
gnomAD v4.1: 4 of 1,589,348 alleles (0.00025%); highest among the groups gnomAD compares: African/African-American, 0.0013%; no homozygotes.

Submissions (2):

Labcorp Genetics (formerly Invitae), Labcorp
Classification: Likely benign for Microcephaly, normal intelligence and immunodeficiency. Last evaluated: 2025-05-05. Review status: criteria provided, single submitter. Criteria: Invitae Variant Classification Sherloc (09022015). Collection method: clinical testing. Allele origin: germline.

GeneDx
Classification: Uncertain significance. Last evaluated: 2016-03-28. Review status: criteria provided, single submitter. Criteria: GeneDx Variant Classification (06012015). Collection method: clinical testing. Allele origin: germline. Affected: yes.
Comment: This variant is denoted NBN c.1398-17T>G or IVS10-17T>G and consists of a T>G nucleotide substitution at the -17 position of intron 10 of the NBN gene. Multiple in silico models predict this variant to damage the nearby natural acceptor site and to possibly cause abnormal gene splicing; however, in the absence of RNA or functional studies, the actual effect of this variant is unknown. This variant has not, to our knowledge, been published in the literature as pathogenic or benign. NBN c.1398-17T>G was not observed in approximately 6,500 individuals of European and African American ancestry in the NHLBI Exome Sequencing Project, suggesting it is not a common benign variant in these populations. The thymine (T) nucleotide that is altered is not conserved across species. Based on currently available information, it is unclear whether NBN c.1398-17T>G is pathogenic or benign. We consider it to be a variant of uncertain significance.

NM_002485.5(NBN):c.1398-17T>G

Gene: NBN (nibrin; minus strand). Cytogenetic location: 8q21.3.
Variant type: single nucleotide variant.
Coding change: c.1398-17T>G on transcript NM_002485.5 (MANE Select); 17 bases into the intron before coding-DNA position 1398, T replaced by G.
Molecular consequence: intron variant.
Genome position (GRCh38, 1-based): chr8:89,953,708, A>C on the plus strand (T>G on the coding strand, the complement: NBN is on the minus strand). VCF-style: chr8-89953708-A-C. GRCh37 (hg19) VCF-style: chr8-90965936-A-C.
Other names: c.1152-17T>G (NM_001024688.3).
Identifiers: ClinVar variation 420767 (VCV000420767.11), dbSNP rs561077201, ClinGen allele CA4802735.
Genomic context (GRCh38, chr8:89,953,708, plus strand): 5'-CTGATTTGCATGAAGACATTTCTTGATTTTCTTCATCCCTTTCCCTTAGATTTAAAAAAA[A>C]AGAAGAAAACAAAACAAGAAAATGAACACAGCTAAGTAACCATTTAGTTTGGCAATATTC-3'